The following is an entry in ClinVar:

ClinVar aggregate classification (germline): Uncertain significance (1 of 4 stars; one submission).

Submission:

Labcorp Genetics (formerly Invitae), Labcorp
Classification: Uncertain significance. Last evaluated: 2025-02-03. Review status: criteria provided, single submitter. Criteria: Invitae Variant Classification Sherloc (09022015). Collection method: clinical testing. Allele origin: germline.
Comment: This sequence change replaces valine, which is neutral and non-polar, with phenylalanine, which is neutral and non-polar, at codon 57 of the IL21 protein (p.Val57Phe). This variant is present in population databases (no rsID available, gnomAD 0.0009%). This variant has not been reported in the literature in individuals affected with IL21-related conditions. An algorithm developed to predict the effect of missense changes on protein structure and function (PolyPhen-2) suggests that this variant is likely to be tolerated. In summary, the available evidence is currently insufficient to determine the role of this variant in disease. Therefore, it has been classified as a Variant of Uncertain Significance.

NM_021803.4(IL21):c.169G>T (p.Val57Phe)

Genes: IL21 (interleukin 21; minus strand), IL21-AS1 (IL21 antisense RNA 1; plus strand), LOC126807147 (CDK7 strongly-dependent group 2 enhancer GRCh37_chr4:123541308-123542507; plus strand). Cytogenetic location: 4q27.
Variant type: single nucleotide variant.
Coding change: c.169G>T on transcript NM_021803.4 (MANE Select); coding-DNA position 169, G replaced by T.
Protein change: p.Val57Phe; replaces valine 57 with phenylalanine.
Molecular consequence: missense variant.
Genome position (GRCh38, 1-based): chr4:122,620,736, C>A on the plus strand (G>T on the coding strand, the complement: IL21 is on the minus strand). VCF-style: chr4-122620736-C-A. GRCh37 (hg19) VCF-style: chr4-123541891-C-A.
Other names: c.169G>T, p.Val57Phe (NM_001207006.3); short protein forms V57F.
Identifiers: ClinVar variation 4780432 (VCV004780432.1).